The following is an entry in ClinVar:

ClinVar aggregate classification (germline): Uncertain significance (1 of 4 stars; one submission).

gnomAD v4.1: 3 of 1,613,634 alleles (0.00019%); highest among the groups gnomAD compares: South Asian, 0.0011%; no homozygotes.

Submission:

Ambry Genetics
Classification: Uncertain significance. Last evaluated: 2025-05-07. Review status: criteria provided, single submitter. Criteria: Ambry Variant Classification Scheme 2023. Collection method: clinical testing. Allele origin: germline.
Comment: The p.M39L variant (also known as c.115A>C), located in coding exon 2 of the RAD51B gene, results from an A to C substitution at nucleotide position 115. The methionine at codon 39 is replaced by leucine, an amino acid with highly similar properties. This amino acid position is conserved. In addition, this alteration is predicted to be tolerated by in silico analysis. Based on the available evidence, the clinical significance of this variant remains unclear.

NM_133510.4(RAD51B):c.115A>C (p.Met39Leu)

Gene: RAD51B (RAD51 paralog B; plus strand). Cytogenetic location: 14q24.1.
Variant type: single nucleotide variant.
Coding change: c.115A>C on transcript NM_133510.4 (MANE Select); coding-DNA position 115, A replaced by C.
Protein change: p.Met39Leu; replaces methionine 39 with leucine.
Molecular consequence: missense variant. On other transcripts: initiator codon variant (1), 5 prime UTR variant (1).
Genome position (GRCh38, 1-based): chr14:67,825,494, A>C. VCF-style: chr14-67825494-A-C. GRCh37 (hg19) VCF-style: chr14-68292211-A-C.
Other names: c.115A>C, p.Met39Leu (NM_001321809.2, NM_001321810.2, NM_001321812.1 and 6 more transcripts); c.1A>C, p.Met1Leu (NM_001321815.1); c.-341A>C (NM_001321817.2); short protein forms M39L, M1L.
Identifiers: ClinVar variation 3942311 (VCV003942311.1).